The following is an entry in ClinVar:

ClinVar aggregate classification (germline): Pathogenic (1 of 4 stars; one submission).

Conditions:
Leber congenital amaurosis 1 (LCA1). Also called: AMAUROSIS CONGENITA OF LEBER I; RETINAL BLINDNESS, CONGENITAL; Congenital absence of the rods and cones; Leber's congenital tapetoretinal degeneration; Leber's congenital tapetoretinal dysplasia. Identifiers: Orphanet 65, MedGen C2931258, MONDO:0008764, OMIM 204000.

gnomAD v4.1: 1 of 1,466,694 alleles (0.000068%); highest among the groups gnomAD compares: South Asian, 0.0013%; no homozygotes.

Submission:

3billion
Classification: Pathogenic for Leber congenital amaurosis 1. Last evaluated: 2022-05-22. Review status: criteria provided, single submitter. Criteria: ACMG Guidelines, 2015. Collection method: clinical testing. Allele origin: germline. Affected: yes. Observed: 1 homozygote.
Comment: The variant is not observed in the gnomAD v2.1.1 dataset. Stop-gained (nonsense): predicted to result in a loss or disruption of normal protein function through nonsense-mediated decay (NMD) or protein truncation. Multiple pathogenic variants are reported downstream of the variant. Therefore, this variant is classified as pathogenic according to the recommendation of ACMG/AMP guideline.

NM_000180.4(GUCY2D):c.315C>A (p.Cys105Ter)

Gene: GUCY2D (guanylate cyclase 2D, retinal; plus strand). Cytogenetic location: 17p13.1.
Variant type: single nucleotide variant.
Coding change: c.315C>A on transcript NM_000180.4 (MANE Select); coding-DNA position 315, C replaced by A.
Protein change: p.Cys105Ter; replaces cysteine 105 with a stop codon.
Molecular consequence: nonsense.
Genome position (GRCh38, 1-based): chr17:8,003,362, C>A. VCF-style: chr17-8003362-C-A. GRCh37 (hg19) VCF-style: chr17-7906680-C-A.
Other names: short protein forms C105*.
Identifiers: ClinVar variation 1687499 (VCV001687499.1), dbSNP rs2151799357, ClinGen allele CA397943175.